The following is an entry in ClinVar:

NM_000023.4(SGCA):c.320_330del (p.Ala107fs)

Gene: SGCA (sarcoglycan alpha; plus strand). Cytogenetic location: 17q21.33.
Variant type: Deletion.
Coding change: c.320_330del on transcript NM_000023.4 (MANE Select); coding-DNA positions 320 to 330, 11 bases deleted (CCTACAATCGG).
Protein change: p.Ala107fs; shifts the reading frame from alanine 107.
Molecular consequence: frameshift variant. On other transcripts: non-coding transcript variant (1).
Genome position (GRCh38, 1-based): chr17:50,167,954-50,167,964, CCTACAATCGG deleted; deleting any 11 consecutive bases within chr17:50,167,953-50,167,964 gives the same sequence; the c. name uses the placement nearest the transcript's 3' end. VCF-style (leftmost placement, unchanged base first): chr17-50167952-AGCCTACAATCG-A. GRCh37 (hg19) VCF-style: chr17-48245313-AGCCTACAATCG-A.
Other names: c.320_330delCCTACAATCGG (NM_000023.2); c.320_330del, p.Ala107fs (NM_001135697.3); c.320_330del (NM_000023.2); short protein forms A107fs.
Identifiers: ClinVar variation 1180729 (VCV001180729.2), dbSNP rs2144495228, ClinGen allele CA2573054476.

ClinVar aggregate classification (germline): Pathogenic. Review status: criteria provided, single submitter (1 of 4 stars). 2 submissions from 1 submitter: Pathogenic (2). Last evaluated 2021-07-10.

Conditions:
Autosomal recessive limb-girdle muscular dystrophy type 2D (LGMDR3). Also called: MUSCULAR DYSTROPHY, LIMB-GIRDLE, AUTOSOMAL RECESSIVE 3; ADHALINOPATHY, PRIMARY; DUCHENNE-LIKE AUTOSOMAL RECESSIVE MUSCULAR DYSTROPHY, TYPE 2. Identifiers: Orphanet 62, MedGen C2936332, MONDO:0011968, OMIM 608099. Disease mechanism: Affects gamma-sarcoglycan and also disrupts the integrity of the entire sarcoglycan complex..
Abnormality of the musculature. Identifiers: MedGen C4021745, HP:0003011.

Submissions (2):

Kariminejad - Najmabadi Pathology & Genetics Center
Classification: Pathogenic for Abnormality of the musculature. Last evaluated: 2021-07-10. Review status: criteria provided, single submitter. Criteria: ACMG Guidelines, 2015. Collection method: clinical testing. Allele origin: germline. Affected: yes.

Kariminejad - Najmabadi Pathology & Genetics Center
Classification: Pathogenic for Autosomal recessive limb-girdle muscular dystrophy type 2D. Last evaluated: 2016-07-16. Review status: criteria provided, single submitter. Criteria: ACMG Guidelines, 2015. Collection method: clinical testing. Allele origin: germline. Inheritance: Autosomal recessive inheritance. Affected: yes. Observed: 2 variant alleles.
Comment: PVS1, PM2, PM3_Strong